The following is an entry in ClinVar:

ClinVar aggregate classification (germline): Uncertain significance. Review status: criteria provided, multiple submitters, no conflicts (2 of 4 stars). 4 submissions from 4 submitters: Uncertain significance (4). Last evaluated 2025-09-22.

Conditions:
Hereditary cancer-predisposing syndrome. Also called: Tumor predisposition; Hereditary neoplastic syndrome; Neoplastic Syndromes, Hereditary; Hereditary Cancer Syndrome. Identifiers: Orphanet 140162, MedGen C0027672, MeSH D009386, MONDO:0015356.
Malignant tumor of urinary bladder. Also called: Bladder cancer; Urinary bladder cancer; Urinary Bladder Neoplasms. Identifiers: MedGen C0005684, MONDO:0001187, OMIM 109800.
Retinoblastoma (RB1). Also called: RETINOBLASTOMA, SOMATIC. Identifiers: Orphanet 790, MedGen C0035335, MeSH D012175, MONDO:0008380, OMIM 180200, HP:0009919. Disease mechanism: loss of function. Inheritance: Both sporadic and heritable forms are tested..

Allele frequency attached by ClinVar (database versions not stated): gnomAD exomes below 0.00001; TOPMed below 0.00001; ExAC 0.00001.
gnomAD v4.1: 5 of 1,598,656 alleles (0.00031%); highest among the groups gnomAD compares: Admixed American, 0.0017%; no homozygotes.

Submissions (4):

Labcorp Genetics (formerly Invitae), Labcorp
Classification: Uncertain significance for Retinoblastoma. Last evaluated: 2025-09-22. Review status: criteria provided, single submitter. Criteria: Invitae Variant Classification Sherloc (09022015). Collection method: clinical testing. Allele origin: germline.
Comment: This sequence change replaces methionine, which is neutral and non-polar, with threonine, which is neutral and polar, at codon 387 of the RB1 protein (p.Met387Thr). This variant is present in population databases (rs767908749, gnomAD 0.0009%). This variant has not been reported in the literature in individuals affected with RB1-related conditions. ClinVar contains an entry for this variant (Variation ID: 960531). Invitae Evidence Modeling of protein sequence and biophysical properties (such as structural, functional, and spatial information, amino acid conservation, physicochemical variation, residue mobility, and thermodynamic stability) indicates that this missense variant is not expected to disrupt RB1 protein function with a negative predictive value of 80%. In summary, the available evidence is currently insufficient to determine the role of this variant in disease. Therefore, it has been classified as a Variant of Uncertain Significance.

Ambry Genetics
Classification: Uncertain significance for Hereditary cancer-predisposing syndrome. Last evaluated: 2024-06-03. Review status: criteria provided, single submitter. Criteria: Ambry Variant Classification Scheme 2023. Collection method: clinical testing. Allele origin: germline.
Comment: The p.M387T variant (also known as c.1160T>C), located in coding exon 12 of the RB1 gene, results from a T to C substitution at nucleotide position 1160. The methionine at codon 387 is replaced by threonine, an amino acid with similar properties. This amino acid position is not well conserved in available vertebrate species. In addition, this alteration is predicted to be tolerated by in silico analysis. Based on the available evidence, the clinical significance of this variant remains unclear.

Baylor Genetics
Classification: Uncertain significance for Malignant tumor of urinary bladder. Last evaluated: 2024-02-27. Review status: criteria provided, single submitter. Criteria: ACMG Guidelines, 2015. Collection method: clinical testing. Allele origin: unknown.

All of Us Research Program, National Institutes of Health
Classification: Uncertain significance for Retinoblastoma. Last evaluated: 2023-05-16. Review status: criteria provided, single submitter. Criteria: ACMG Guidelines, 2015. Collection method: clinical testing. Allele origin: germline. Inheritance: Autosomal dominant inheritance. Observed: 1 variant allele, 1 heterozygote.
Comment: This missense variant replaces methionine with threonine at codon 387 of the RB1 protein. Computational prediction suggests that this variant may not impact protein structure and function (internally defined REVEL score threshold <= 0.5, PMID: 27666373). To our knowledge, functional studies have not been reported for this variant. This variant has not been reported in individuals affected with RB1-related disorders in the literature. This variant has been identified in 1/250730 chromosomes in the general population by the Genome Aggregation Database (gnomAD). The available evidence is insufficient to determine the role of this variant in disease conclusively. Therefore, this variant is classified as a Variant of Uncertain Significance.

This study involves interpretation of variants in research participants for the purpose of population health screening. Participant phenotype was not available at the time of variant classification. Additional details can be found in publication PMID: 35346344, PMCID: PMC8962531

NM_000321.3(RB1):c.1160T>C (p.Met387Thr)

Gene: RB1 (RB transcriptional corepressor 1; plus strand). Cytogenetic location: 13q14.2.
Variant type: single nucleotide variant.
Coding change: c.1160T>C on transcript NM_000321.3 (MANE Select); coding-DNA position 1160, T replaced by C.
Protein change: p.Met387Thr; replaces methionine 387 with threonine.
Molecular consequence: missense variant.
Genome position (GRCh38, 1-based): chr13:48,373,437, T>C. VCF-style: chr13-48373437-T-C. GRCh37 (hg19) VCF-style: chr13-48947573-T-C.
Other names: short protein forms M387T.
Identifiers: ClinVar variation 960531 (VCV000960531.10), dbSNP rs767908749, ClinGen allele CA027727.